The following is an entry in ClinVar:

ClinVar aggregate classification (germline): Uncertain significance. Review status: criteria provided, multiple submitters, no conflicts (2 of 4 stars). 2 submissions from 2 submitters: Uncertain significance (2). Last evaluated 2022-12-07.

Conditions:
Renal cell carcinoma. Identifiers: Orphanet 217071, MedGen C0007134, MeSH D002292, MONDO:0005086, HP:0005584.
Hereditary cancer-predisposing syndrome. Also called: Tumor predisposition; Hereditary neoplastic syndrome; Neoplastic Syndromes, Hereditary; Hereditary Cancer Syndrome. Identifiers: Orphanet 140162, MedGen C0027672, MeSH D009386, MONDO:0015356.

Allele frequency attached by ClinVar (database versions not stated): gnomAD exomes below 0.00001; ExAC 0.00001.
gnomAD v4.1: 2 of 1,613,844 alleles (0.00012%); highest among the groups gnomAD compares: South Asian, 0.0011%; no homozygotes.

Submissions (2):

Ambry Genetics
Classification: Uncertain significance for Hereditary cancer-predisposing syndrome. Last evaluated: 2022-12-07. Review status: criteria provided, single submitter. Criteria: Ambry Variant Classification Scheme 2023. Collection method: clinical testing. Allele origin: germline.
Comment: The p.N922S variant (also known as c.2765A>G), located in coding exon 11 of the MET gene, results from an A to G substitution at nucleotide position 2765. The asparagine at codon 922 is replaced by serine, an amino acid with highly similar properties. This amino acid position is conserved. In addition, this alteration is predicted to be tolerated by in silico analysis. Since supporting evidence is limited at this time, the clinical significance of this alteration remains unclear.

Labcorp Genetics (formerly Invitae), Labcorp
Classification: Uncertain significance for Renal cell carcinoma. Last evaluated: 2019-05-20. Review status: criteria provided, single submitter. Criteria: Invitae Variant Classification Sherloc (09022015). Collection method: clinical testing. Allele origin: germline.
Comment: This sequence change replaces asparagine with serine at codon 922 of the MET protein (p.Asn922Ser). The asparagine residue is moderately conserved and there is a small physicochemical difference between asparagine and serine. This variant is present in population databases (rs765441927, ExAC 0.002%). This variant has not been reported in the literature in individuals with MET-related conditions. Algorithms developed to predict the effect of missense changes on protein structure and function are either unavailable or do not agree on the potential impact of this missense change (SIFT: "Tolerated"; PolyPhen-2: "Probably Damaging"; Align-GVGD: "Class C0"). In summary, the available evidence is currently insufficient to determine the role of this variant in disease. Therefore, it has been classified as a Variant of Uncertain Significance.

NM_000245.4(MET):c.2711A>G (p.Asn904Ser)

Gene: MET (MET proto-oncogene, receptor tyrosine kinase; plus strand). Cytogenetic location: 7q31.2.
Variant type: single nucleotide variant.
Coding change: c.2711A>G on transcript NM_000245.4 (MANE Select); coding-DNA position 2711, A replaced by G.
Protein change: p.Asn904Ser; replaces asparagine 904 with serine.
Molecular consequence: missense variant.
Genome position (GRCh38, 1-based): chr7:116,769,772, A>G. VCF-style: chr7-116769772-A-G. GRCh37 (hg19) VCF-style: chr7-116409826-A-G.
Other names: c.2765A>G, p.Asn922Ser (NM_001127500.3); c.2711A>G, p.Asn904Ser (NM_001324401.3); c.1421A>G, p.Asn474Ser (NM_001324402.2); short protein forms N922S, N474S, N904S.
Identifiers: ClinVar variation 952329 (VCV000952329.11), dbSNP rs765441927, ClinGen allele CA4448553.